The following is an entry in ClinVar:

ClinVar aggregate classification (germline): Likely benign. Review status: criteria provided, multiple submitters, no conflicts (2 of 4 stars). 2 submissions from 2 submitters: Likely benign (2). Last evaluated 2025-12-19.

Conditions:
Developmental and epileptic encephalopathy, 31A. Also called: Epileptic encephalopathy, early infantile, 31; Developmental and epileptic encephalopathy, 31. Identifiers: Orphanet 2382, MedGen C4225357, MONDO:0014598, OMIM 616346.

Allele frequency attached by ClinVar (database versions not stated): gnomAD 0.00001 and 0.00002; TOPMed 0.00001; gnomAD exomes 0.00002; ExAC 0.00003.
gnomAD v4.1: 27 of 1,610,970 alleles (0.0017%); highest among the groups gnomAD compares: East Asian, 0.0045%; no homozygotes.

Submissions (2):

Labcorp Genetics (formerly Invitae), Labcorp
Classification: Likely benign for Developmental and epileptic encephalopathy, 31A. Last evaluated: 2025-12-19. Review status: criteria provided, single submitter. Criteria: Invitae Variant Classification Sherloc (09022015). Collection method: clinical testing. Allele origin: germline.

GeneDx
Classification: Likely benign. Last evaluated: 2016-07-20. Review status: criteria provided, single submitter. Criteria: GeneDx Variant Classification (06012015). Collection method: clinical testing. Allele origin: germline. Affected: yes.
Comment: This variant is considered likely benign or benign based on one or more of the following criteria: it is a conservative change, it occurs at a poorly conserved position in the protein, it is predicted to be benign by multiple in silico algorithms, and/or has population frequency not consistent with disease.

NM_004408.4(DNM1):c.1197-15G>A

Gene: DNM1 (dynamin 1; plus strand). Cytogenetic location: 9q34.11.
Variant type: single nucleotide variant.
Coding change: c.1197-15G>A on transcript NM_004408.4 (MANE Select); 15 bases into the intron before coding-DNA position 1197, G replaced by A.
Molecular consequence: intron variant.
Genome position (GRCh38, 1-based): chr9:128,224,236, G>A. VCF-style: chr9-128224236-G-A. GRCh37 (hg19) VCF-style: chr9-130986515-G-A.
Other names: c.1197-15G>A (NM_001005336.3); c.1196+1376G>A (NM_001288738.2, NM_001288737.2, NM_001288739.2).
Identifiers: ClinVar variation 387881 (VCV000387881.9), dbSNP rs534677463, ClinGen allele CA5258023.